The following is an entry in ClinVar:

NM_031229.4(RBCK1):c.883GTG[1] (p.Val296del)

Gene: RBCK1 (RANBP2-type and C3HC4-type zinc finger containing 1; plus strand). Cytogenetic location: 20p13.
Variant type: Microsatellite.
Coding change: c.883GTG[1] on transcript NM_031229.4 (MANE Select); one copy of the 3-base unit GTG starting at c.883; the reference has two copies in a row; one copy, 3 bases deleted.
Protein change: p.Val296del; deletes valine 296.
Molecular consequence: inframe deletion. On other transcripts: non-coding transcript variant (1), intron variant (2).
Genome position (GRCh38, 1-based): chr20:421,000-421,002, GTG deleted; deleting any 3 consecutive bases within chr20:420,997-421,002 gives the same sequence; the position shown is the placement nearest the transcript's 3' end. VCF-style (leftmost placement, unchanged base first): chr20-420996-CGTG-C. GRCh37 (hg19) VCF-style: chr20-401640-CGTG-C.
Other names: c.757GTG[1], p.Val254del (NM_006462.6); c.408-1127_408-1125del (NM_001323956.2, NM_001323958.2); short protein forms V254del, V296del.
Identifiers: ClinVar variation 1436464 (VCV001436464.6), dbSNP rs2122269453, ClinGen allele CA2580614980.

ClinVar aggregate classification (germline): Uncertain significance (1 of 4 stars; one submission).

Conditions:
Polyglucosan body myopathy type 1 (PGBM1). Also called: POLYGLUCOSAN BODY MYOPATHY WITHOUT IMMUNODEFICIENCY; Polyglucosan body myopathy 1 with or without immunodeficiency. Identifiers: Orphanet 329173, Orphanet 397937, MedGen C4014605, MONDO:0014389, OMIM 615895.

Submission:

Labcorp Genetics (formerly Invitae), Labcorp
Classification: Uncertain significance for Polyglucosan body myopathy type 1. Last evaluated: 2022-06-20. Review status: criteria provided, single submitter. Criteria: Invitae Variant Classification Sherloc (09022015). Collection method: clinical testing. Allele origin: germline.
Comment: In summary, the available evidence is currently insufficient to determine the role of this variant in disease. Therefore, it has been classified as a Variant of Uncertain Significance. Experimental studies and prediction algorithms are not available or were not evaluated, and the functional significance of this variant is currently unknown. This variant has not been reported in the literature in individuals affected with RBCK1-related conditions. This variant is not present in population databases (gnomAD no frequency). This variant, c.886_888del, results in the deletion of 1 amino acid(s) of the RBCK1 protein (p.Val296del), but otherwise preserves the integrity of the reading frame.